The following is an entry in ClinVar:

ClinVar aggregate classification (germline): Uncertain significance (1 of 4 stars; one submission).

Conditions:
Osteogenesis imperfecta type 8 (OI8). Identifiers: MedGen C1970458, MONDO:0012581, OMIM 610915.

Allele frequency attached by ClinVar (database versions not stated): gnomAD exomes below 0.00001.
gnomAD v4.1: 3 of 1,614,156 alleles (0.00019%); highest among the groups gnomAD compares: Non-Finnish European, 0.00025%; no homozygotes.

Submission:

Labcorp Genetics (formerly Invitae), Labcorp
Classification: Uncertain significance for Osteogenesis imperfecta type 8. Last evaluated: 2019-07-15. Review status: criteria provided, single submitter. Criteria: Invitae Variant Classification Sherloc (09022015). Collection method: clinical testing. Allele origin: germline.
Comment: This variant has not been reported in the literature in individuals with P3H1-related conditions. This sequence change replaces valine with alanine at codon 442 of the P3H1 protein (p.Val442Ala). The valine residue is weakly conserved and there is a small physicochemical difference between valine and alanine. This variant is not present in population databases (ExAC no frequency). Algorithms developed to predict the effect of missense changes on protein structure and function are either unavailable or do not agree on the potential impact of this missense change (SIFT: "Deleterious"; PolyPhen-2: "Benign"; Align-GVGD: "Class C0"). In summary, the available evidence is currently insufficient to determine the role of this variant in disease. Therefore, it has been classified as a Variant of Uncertain Significance.

NM_022356.4(P3H1):c.1325T>C (p.Val442Ala)

Gene: P3H1 (prolyl 3-hydroxylase 1; minus strand). Cytogenetic location: 1p34.2.
Variant type: single nucleotide variant.
Coding change: c.1325T>C on transcript NM_022356.4 (MANE Select); coding-DNA position 1325, T replaced by C.
Protein change: p.Val442Ala; replaces valine 442 with alanine.
Molecular consequence: missense variant.
Genome position (GRCh38, 1-based): chr1:42,754,889, A>G on the plus strand (T>C on the coding strand, the complement: P3H1 is on the minus strand). VCF-style: chr1-42754889-A-G. GRCh37 (hg19) VCF-style: chr1-43220560-A-G.
Other names: c.1325T>C, p.Val442Ala (NM_001146289.2, NM_001243246.2); short protein forms V442A.
Identifiers: ClinVar variation 959056 (VCV000959056.9), dbSNP rs1308933452, ClinGen allele CA339957458.